The following is an entry in ClinVar:

ClinVar aggregate classification (germline): Uncertain significance (1 of 4 stars; one submission).

Allele frequency attached by ClinVar (database versions not stated): ExAC 0.00001; gnomAD exomes 0.00001.

Submission:

Ambry Genetics
Classification: Uncertain significance. Last evaluated: 2023-08-13. Review status: criteria provided, single submitter. Criteria: Ambry Variant Classification Scheme 2023. Collection method: clinical testing. Allele origin: germline.
Comment: The p.V636M variant (also known as c.1906G>A), located in coding exon 4 of the TMPO gene, results from a G to A substitution at nucleotide position 1906. The valine at codon 636 is replaced by methionine, an amino acid with highly similar properties. This amino acid position is conserved. In addition, this alteration is predicted to be tolerated by in silico analysis. Since supporting evidence is limited at this time, the clinical significance of this alteration remains unclear.

NM_001032283.3(TMPO):c.565+2325G>A

Gene: TMPO (thymopoietin; plus strand). Cytogenetic location: 12q23.1.
Variant type: single nucleotide variant.
Coding change: c.565+2325G>A on transcript NM_001032283.3 (MANE Select); 2325 bases into the intron after coding-DNA position 565, G replaced by A.
Molecular consequence: intron variant. On other transcripts: missense variant (1).
Genome position (GRCh38, 1-based): chr12:98,534,163, G>A. VCF-style: chr12-98534163-G-A. GRCh37 (hg19) VCF-style: chr12-98927941-G-A.
Other names: c.1906G>A, p.Val636Met (NM_003276.2); c.565+2325G>A (NM_001307975.2, NM_001032284.3); short protein forms V636M.
Identifiers: ClinVar variation 2625256 (VCV002625256.2), dbSNP rs755609737, ClinGen allele CA6732512.